The following is an entry in ClinVar:

NM_001267550.2(TTN):c.7469G>T (p.Arg2490Leu)

Genes: TTN (titin; minus strand), LOC126806433 (BRD4-independent group 4 enhancer GRCh37_chr2:179638309-179639508; plus strand). Cytogenetic location: 2q31.2.
Variant type: single nucleotide variant.
Coding change: c.7469G>T on transcript NM_001267550.2 (MANE Select); coding-DNA position 7469, G replaced by T.
Protein change: p.Arg2490Leu; replaces arginine 2490 with leucine.
Molecular consequence: missense variant.
Genome position (GRCh38, 1-based): chr2:178,773,587, C>A on the plus strand (G>T on the coding strand, the complement: TTN is on the minus strand). VCF-style: chr2-178773587-C-A. GRCh37 (hg19) VCF-style: chr2-179638314-C-A.
Other names: c.7331G>T, p.Arg2444Leu (NM_003319.4, NM_133432.3, NM_133437.4); c.7469G>T, p.Arg2490Leu (NM_133378.4, NM_133379.5, NM_001256850.1); short protein forms R2490L, R2444L.
Identifiers: ClinVar variation 467471 (VCV000467471.9), dbSNP rs148920986, ClinGen allele CA2004807.

ClinVar aggregate classification (germline): Uncertain significance. Review status: criteria provided, multiple submitters, no conflicts (2 of 4 stars). 4 submissions from 4 submitters: Uncertain significance (4). Last evaluated 2023-03-01.

Conditions:
Autosomal recessive limb-girdle muscular dystrophy type 2J (LGMDR10). Also called: Limb-girdle muscular dystrophy, type 2J; MUSCULAR DYSTROPHY, LIMB-GIRDLE, AUTOSOMAL RECESSIVE 10. Identifiers: Orphanet 140922, MedGen C1837342, MONDO:0012127, OMIM 608807.
Dilated cardiomyopathy 1G (CMD1G). Identifiers: Orphanet 154, MedGen C1858763, MONDO:0011400, OMIM 604145.
Cardiovascular phenotype. Identifiers: MedGen CN230736.

Allele frequency attached by ClinVar (database versions not stated): TOPMed 0.00006; ESP Exome Variant Server 0.00008; 1000 Genomes Project 30x 0.00016; 1000 Genomes Project 0.00020.
gnomAD v4.1: 8 of 1,614,020 alleles (0.0005%); highest among the groups gnomAD compares: African/African-American, 0.008%; no homozygotes.

Submissions (4):

Greenwood Genetic Center Diagnostic Laboratories, Greenwood Genetic Center
Classification: Uncertain significance. Last evaluated: 2023-03-01. Review status: criteria provided, single submitter. Criteria: ACMG Guidelines, 2015. Collection method: clinical testing. Allele origin: germline. Affected: yes.
Comment: PM2, PP3

Revvity Omics, Revvity
Classification: Uncertain significance. Last evaluated: 2019-09-06. Review status: criteria provided, single submitter. Criteria: ACMG Guidelines, 2015. Collection method: clinical testing. Allele origin: germline.

Ambry Genetics
Classification: Uncertain significance for Cardiovascular phenotype. Last evaluated: 2019-08-26. Review status: criteria provided, single submitter. Criteria: Ambry Variant Classification Scheme 2023. Collection method: clinical testing. Allele origin: germline.
Comment: The p.R2444L variant (also known as c.7331G>T), located in coding exon 30 of the TTN gene, results from a G to T substitution at nucleotide position 7331. The arginine at codon 2444 is replaced by leucine, an amino acid with dissimilar properties. This amino acid position is highly conserved in available vertebrate species. In addition, the in silico prediction for this alteration is inconclusive. Since supporting evidence is limited at this time, the clinical significance of this alteration remains unclear.

Labcorp Genetics (formerly Invitae), Labcorp
Classification: Uncertain significance for Dilated cardiomyopathy 1G; Autosomal recessive limb-girdle muscular dystrophy type 2J. Last evaluated: 2017-07-31. Review status: criteria provided, single submitter. Criteria: Invitae Variant Classification Sherloc (09022015). Collection method: clinical testing. Allele origin: germline.